The following is an entry in ClinVar:

ClinVar aggregate classification (germline): Pathogenic (1 of 4 stars; one submission).

Conditions:
Developmental and epileptic encephalopathy. Identifiers: MedGen C5779964, MONDO:0100620.

Submission:

Labcorp Genetics (formerly Invitae), Labcorp
Classification: Pathogenic for Early-infantile DEE. Last evaluated: 2023-09-10. Review status: criteria provided, single submitter. Criteria: Invitae Variant Classification Sherloc (09022015). Collection method: clinical testing. Allele origin: unknown.
Comment: This variant is a gross deletion of the genomic region encompassing exon(s) 1-14 of the KCNQ2 gene, which includes the initiator codon. This deletion extends beyond the assayed region for this gene and therefore may encompass additional genes. It is expected to result in an absent or disrupted protein product. Loss-of-function variants in KCNQ2 are known to be pathogenic (PMID: 14534157, 23692823, 27779742). This variant has not been reported in the literature in individuals affected with KCNQ2-related conditions. For these reasons, this variant has been classified as Pathogenic.

Literature cited by the submitters: PubMed 14534157; PubMed 23692823; PubMed 27779742.

NC_000020.10:g.(?_62045421)_(62103816_?)del

Gene: KCNQ2 (potassium voltage-gated channel subfamily Q member 2; minus strand). Cytogenetic location: 20q13.33.
Variant type: Deletion.
Identifiers: ClinVar variation 3248234 (VCV003248234.1).